The following is an entry in ClinVar:

ClinVar aggregate classification (germline): Conflicting classifications of pathogenicity. Review status: criteria provided, conflicting classifications (1 of 4 stars). 7 submissions from 7 submitters: Uncertain significance (6); Likely benign (1). Last evaluated 2026-08-11.

Conditions:
PEX1-related disorder. Also called: PEX1-related condition.
Heimler syndrome 1 (HMLR1). Also called: PEROXISOME BIOGENESIS DISORDER 1C. Identifiers: Orphanet 3220, MedGen C4551980, OMIM 234580, MONDO:0024544.
Peroxisome biogenesis disorder 1B (PBD1B). Also called: Refsum disease, infantile form; Infantile Refsum disease; Infantile form of phytanic acid storage disease; PEROXISOME BIOGENESIS DISORDER (NEONATAL ADRENOLEUKODYSTROPHY/INFANTILE REFSUM DISEASE); INFANTILE PHYTANIC ACID STORAGE DISEASE; PEROXISOME BIOGENESIS DISORDER (NALD/IRD). Identifiers: Orphanet 44, MedGen C0282527, MONDO:0011101, OMIM 601539.
Peroxisome biogenesis disorder 1A (Zellweger) (PBD1A). Also called: Zellweger leukodystrophy; Peroxisome biogenesis disorder 1a. Identifiers: MedGen C4721541, MONDO:0008953, OMIM 214100.
Zellweger spectrum disorders (ZS). Also called: Zellweger Spectrum Disorder; Zellweger Spectrum; Zellweger Spectrum Disorder (ZSD); Zellweger syndrome. Identifiers: Orphanet 912, MedGen C0043459, MONDO:0019609.
Peroxisome biogenesis disorder due to PEX1 defect. Identifiers: MedGen CN305475, MONDO:0100259.

Allele frequency attached by ClinVar (database versions not stated): TOPMed 0.00006; gnomAD exomes 0.00014; ExAC 0.00016.
gnomAD v4.1: 113 of 1,613,704 alleles (0.007%); highest among the groups gnomAD compares: South Asian, 0.094%; no homozygotes.

Submissions (7):

PreventionGenetics, part of Exact Sciences
Classification: Uncertain significance for PEX1-related condition. Last evaluated: 2026-08-11. Review status: criteria provided, single submitter. Criteria: ACMG Guidelines, 2015. Collection method: clinical testing. Allele origin: germline.
Comment: The PEX1 c.3283G>A variant is predicted to result in the amino acid substitution p.Asp1095Asn. This variant has been reported in the homozygous state in an individual with leukodystrophy (Table S5, Ganapathy et al. 2019. PubMed ID: 31069529). However, this variant is reported in 0.11% of alleles in individuals of South Asian descent in gnomAD, which may be too frequent to be a primary cause of disease. Although we suspect that this variant may be benign, the clinical significance of this variant is currently classified as uncertain due to the absence of conclusive functional and genetic evidence.

Labcorp Genetics (formerly Invitae), Labcorp
Classification: Likely benign for Zellweger spectrum disorders. Last evaluated: 2026-01-28. Review status: criteria provided, single submitter. Criteria: Invitae Variant Classification Sherloc (09022015). Collection method: clinical testing. Allele origin: germline.

Blueprint Genetics
Classification: Uncertain significance. Last evaluated: 2024-01-18. Review status: criteria provided, single submitter. Criteria: ACMG Guidelines, 2015. Collection method: clinical testing. Allele origin: germline.

Fulgent Genetics
Classification: Uncertain significance for Peroxisome biogenesis disorder 1A (Zellweger); Heimler syndrome 1; Peroxisome biogenesis disorder 1B. Last evaluated: 2022-02-03. Review status: criteria provided, single submitter. Criteria: ACMG Guidelines, 2015. Collection method: clinical testing. Allele origin: unknown.

Department of Pathology and Laboratory Medicine, Sinai Health System
Classification: Uncertain significance for Peroxisome biogenesis disorder 1A (Zellweger); Heimler syndrome 1; Peroxisome biogenesis disorder 1B. Last evaluated: 2021-07-30. Review status: criteria provided, single submitter. Criteria: ACMG Guidelines, 2015. Collection method: research. Allele origin: germline.

Victorian Clinical Genetics Services, Murdoch Childrens Research Institute
Classification: Uncertain significance for Peroxisome biogenesis disorder due to PEX1 defect. Last evaluated: 2021-05-06. Review status: criteria provided, single submitter. Criteria: ACMG Guidelines, 2015. Collection method: clinical testing. Allele origin: germline. Inheritance: Autosomal recessive inheritance.
Comment: Based on the classification scheme VCGS_Germline_v1.3.4, this variant is classified as VUS-3B. Following criteria are met: 0102 - Loss of function is a known mechanism of disease in this gene and is associated with Heimler syndrome 1 (MIM#234580), peroxisome biogenesis disorder 1A (Zellweger) (MIM#214100) and peroxisome biogenesis disorder 1B (NALD/IRD) (MIM#601539). (I) 0106 - This gene is associated with autosomal recessive disease. (I) 0200 - Variant is predicted to result in a missense amino acid change from aspartic acid to asparagine. (I) 0251 - This variant is heterozygous. (I) 0304 - Variant is present in gnomAD (v2) <0.01 for a recessive condition (36 heterozygotes, 0 homozygotes). (SP) 0309 - An alternative amino acid change at the same position has been observed in gnomAD (v3) (2 heterozygotes, 0 homozygotes). (I) 0502 - Missense variant with conflicting in silico predictions and uninformative conservation. (I) 0604 - Variant is not located in an established domain, motif, hotspot or informative constraint region. (I) 0705 - No comparable missense variants have previous evidence for pathogenicity. (I) 0809 - Previous evidence of pathogenicity for this variant is inconclusive. This variant has been previously reported as a VUS (ClinVar). (I) 0905 - No published segregation evidence has been identified for this variant. (I) 1007 - No published functional evidence has been identified for this variant. (I) 1208 - Inheritance information for this variant is not currently available in this individual. (I) Legend: (SP) - Supporting pathogenic, (I) - Information, (SB) - Supporting benign

Eurofins Ntd Llc (ga)
Classification: Uncertain significance. Last evaluated: 2018-01-04. Review status: criteria provided, single submitter. Criteria: EGL Classification Definitions 2015. Collection method: clinical testing. Allele origin: germline. Observed: 2 variant alleles, 2 heterozygotes.

NM_000466.3(PEX1):c.3283G>A (p.Asp1095Asn)

Genes: GATAD1 (GATA zinc finger domain containing 1; plus strand), PEX1 (peroxisomal biogenesis factor 1; minus strand). Cytogenetic location: 7q21.2.
Variant type: single nucleotide variant.
Coding change: c.3283G>A on transcript NM_000466.3 (MANE Select); coding-DNA position 3283, G replaced by A.
Protein change: p.Asp1095Asn; replaces aspartic acid 1095 with asparagine.
Molecular consequence: missense variant.
Genome position (GRCh38, 1-based): chr7:92,491,427, C>T on the plus strand (G>A on the coding strand, the complement: PEX1 is on the minus strand). VCF-style: chr7-92491427-C-T. GRCh37 (hg19) VCF-style: chr7-92120741-C-T.
Other names: c.3112G>A, p.Asp1038Asn (NM_001282677.2); c.2659G>A, p.Asp887Asn (NM_001282678.2); short protein forms D1095N, D887N, D1038N.
Identifiers: ClinVar variation 502697 (VCV000502697.16), dbSNP rs753699011, ClinGen allele CA4340856.